The following is an entry in ClinVar:

ClinVar aggregate classification (germline): Pathogenic. Review status: criteria provided, multiple submitters, no conflicts (2 of 4 stars). 21 submissions from 21 submitters: Pathogenic (16). 5 of the submissions do not count toward it. Last evaluated 2025-10-28.

Conditions:
RDH12-related disorder. Also called: RDH12-related disorders; RDH12-related condition.
Retinal dystrophy. Also called: Inherited retinal dystrophy. Identifiers: Orphanet 71862, MedGen C0854723, MeSH D058499, MONDO:0019118, HP:0000556.
Leber congenital amaurosis (LCA). Also called: Leber's amaurosis. Identifiers: Orphanet 65, MedGen C0339527, MeSH D057130, MONDO:0018998.
Leber congenital amaurosis 13 (LCA13). Identifiers: MedGen C2675186, MONDO:0012990, OMIM 612712.

Allele frequency attached by ClinVar (database versions not stated): ExAC 0.00003; gnomAD exomes 0.00006 and 0.00008; gnomAD 0.00007; TOPMed 0.00012; 1000 Genomes Project 30x 0.00016; 1000 Genomes Project 0.00020.
gnomAD v4.1: 125 of 1,611,290 alleles (0.0078%); highest among the groups gnomAD compares: African/African-American, 0.013%; no homozygotes.

Submissions 1 to 14 of 21:

Labcorp Genetics (formerly Invitae), Labcorp
Classification: Pathogenic for Leber congenital amaurosis 13. Last evaluated: 2025-10-28. Review status: criteria provided, single submitter. Criteria: Invitae Variant Classification Sherloc (09022015). Collection method: clinical testing. Allele origin: germline.
Comment: This sequence change creates a premature translational stop signal (p.Arg62*) in the RDH12 gene. It is expected to result in an absent or disrupted protein product. Loss-of-function variants in RDH12 are known to be pathogenic (PMID: 17964524, 22065924, 32014858, 34001834). This variant is present in population databases (rs104894471, gnomAD 0.02%). This premature translational stop signal has been observed in individuals with autosomal recessive Leber congenital amaurosis or retinitis pigmentosa (PMID: 15258582, 15322982, 26497376, 29186038). ClinVar contains an entry for this variant (Variation ID: 2050). For these reasons, this variant has been classified as Pathogenic.

Natera, Inc.
Classification: Pathogenic for Leber congenital amaurosis. Last evaluated: 2025-10-14. Review status: criteria provided, single submitter. Criteria: Natera Variant Classification Schema (03/2026). Collection method: clinical testing. Allele origin: germline.
Comment: The c.184C>T variant in RDH12 is a nonsense variant predicted to introduce a stop codon at amino acid 62. This variant is expected to result in nonsense mediated decay, truncation, or a dysfunctional protein product. This variant is rare in the general population with a frequency below the threshold expected for the associated phenotype(s). This variant has been observed in one or more individuals affected with the associated recessive disease, as either homozygous or compound heterozygous with a second variant (PMID: 29068479, 30372751). Given the available evidence, this variant is classified as Pathogenic.

PreventionGenetics, part of Exact Sciences
Classification: Pathogenic for RDH12-related condition. Last evaluated: 2025-05-21. Review status: criteria provided, single submitter. Criteria: ACMG Guidelines, 2015. Collection method: clinical testing. Allele origin: germline.
Comment: The RDH12 c.184C>T variant is predicted to result in premature protein termination (p.Arg62*). This variant was reported in the homozygous or compound heterozygous state in individuals with retinal dystrophy (see, for example, Janecke et al. 2004. PubMed ID: 15258582; Beheshtian et al. 2015. PubMed ID: 26497376). This variant is reported in 0.016% of alleles in individuals of African descent in gnomAD. Nonsense variants in RDH12 are expected to be pathogenic. This variant is interpreted as pathogenic for autosomal recessive RDH12-related disorders.

First Genomix Gene Laboratory, Genetic Diagnostics Department
Classification: Pathogenic for Leber congenital amaurosis 13. Last evaluated: 2025-03-27. Review status: criteria provided, single submitter. Criteria: ACMG Guidelines, 2015. Collection method: clinical testing. Allele origin: germline. Inheritance: Autosomal recessive inheritance. Affected: no. Observed: 1 variant allele.

Blueprint Genetics
Classification: Pathogenic for RDH12-related disorders. Last evaluated: 2024-10-14. Review status: criteria provided, single submitter. Criteria: ACMG Guidelines, 2015. Collection method: clinical testing. Allele origin: germline. Affected: yes. Observed: 5 variant alleles.

Revvity Omics, Revvity
Classification: Pathogenic for Leber congenital amaurosis 13. Last evaluated: 2024-09-13. Review status: criteria provided, single submitter. Criteria: ACMG Guidelines, 2015. Collection method: clinical testing. Allele origin: germline.

Dasa
Classification: Pathogenic. Last evaluated: 2024-09-09. Review status: criteria provided, single submitter. Criteria: DASA Assertion Criteria. Collection method: clinical testing. Allele origin: germline.
Comment: NM_152443.3(RDH12):c.184C>T (p.Arg62*) introduces a premature termination codon predicted to result in loss of normal protein function. Loss-of-function is an established mechanism of disease for this gene. The variant is present at low frequency in population datasets. Based on the available data, this variant is classified as pathogenic.

Women's Health and Genetics/Laboratory Corporation of America, LabCorp
Classification: Pathogenic for Leber congenital amaurosis. Last evaluated: 2024-08-21. Review status: criteria provided, single submitter. Criteria: LabCorp Variant Classification Summary - May 2015. Collection method: clinical testing. Allele origin: germline.
Comment: Variant summary: RRDH12 c.184C>T (p.Arg62X) results in a premature termination codon, predicted to cause a truncation of the encoded protein or absence of the protein due to nonsense mediated decay, which are commonly known mechanisms for disease. The variant allele was found at a frequency of 5.6e-05 in 251424 control chromosomes (gnomAD). This frequency is not significantly higher than estimated for a pathogenic variant in RDH12 causing Leber Congenital Amaurosis (5.6e-05 vs 0.0016), allowing no conclusion about variant significance. c.184C>T has been reported in the literature in multiple individuals affected with Leber Congenital Amaurosis, Retinitis pigmentosa or Inherited retinal disease (Jin_2022, Lin_2024). These data indicate that the variant is very likely to be associated with disease. To our knowledge, no experimental evidence demonstrating an impact on protein function has been reported. The following publications have been ascertained in the context of this evaluation (PMID: 35006499, 38219857). ClinVar contains an entry for this variant (Variation ID: 2050). Based on the evidence outlined above, the variant was classified as pathogenic.

CeGaT Center for Human Genetics Tuebingen
Classification: Pathogenic. Last evaluated: 2024-08-01. Review status: criteria provided, single submitter. Criteria: CeGaT Center For Human Genetics Tuebingen Variant Classification Criteria Version 2. Collection method: clinical testing. Allele origin: germline. Affected: yes. Observed: 1 variant allele.
Comment: RDH12: PVS1, PM3:Strong, PM2

Fulgent Genetics
Classification: Pathogenic for Leber congenital amaurosis 13. Last evaluated: 2024-01-03. Review status: criteria provided, single submitter. Criteria: ACMG Guidelines, 2015. Collection method: clinical testing. Allele origin: germline.

MGZ Medical Genetics Center
Classification: Pathogenic for Leber congenital amaurosis 13. Last evaluated: 2022-07-22. Review status: criteria provided, single submitter. Criteria: ACMG Guidelines, 2015. Collection method: clinical testing. Allele origin: germline. Affected: yes. Observed: 2 variant alleles.
Comment: ACMG criteria applied: PVS1, PM3_STR, PS4_MOD, PM2_SUP, PP1

Genome-Nilou Lab
Classification: Pathogenic for Leber congenital amaurosis 13. Last evaluated: 2021-07-22. Review status: criteria provided, single submitter. Criteria: ACMG Guidelines, 2015. Collection method: clinical testing. Allele origin: germline. Affected: no.

Institute of Human Genetics, Univ. Regensburg, Univ. Regensburg
Classification: Pathogenic for Retinal dystrophy. Last evaluated: 2021-01-01. Review status: criteria provided, single submitter. Criteria: ACMG Guidelines, 2015. Collection method: clinical testing. Allele origin: germline. Affected: yes.

Broad Center for Mendelian Genomics, Broad Institute of MIT and Harvard
Classification: Pathogenic for Leber congenital amaurosis. Last evaluated: 2020-05-29. Review status: criteria provided, single submitter. Criteria: ACMG Guidelines, 2015. Collection method: research. Allele origin: germline. Inheritance: Autosomal recessive inheritance.
Comment: Please note that this variant has been identified by a collaborative research study and was also be submitted by Massachusetts Eye and Ear. The p.Arg62Ter variant has been reported in at least 10 individuals with Leber congenital amaurosis (PMID: 15322982,15258582, 29186038, 32014858, 26497376, 30134391). The presence of this variant in at least 2 homozygotes, and in combination with a reported pathogenic variant, and in at least 1 individual with Leber congenital amaurosis increases the likelihood that the p.Arg62Ter variant is pathogenic (PMID: 15258582, 26497376, 30134391) and has been identified in 0.016% (4/24952) of African, 0.009% (11/129094) of European (Non-Finnish) chromosomes by the Genome Aggregation Database (gnomAD; dbSNP ID: rs104894471). Although this variant has been seen in the general population, its frequency is not high enough to rule out a pathogenic role. This variant has also been reported in ClinVar as pathogenic by Mendellics, Invitae, OMIM, Ocular Genomics Institute, Massachusetts Eye and Ear, Blueprint Genetics (VariationID: 2050). This nonsense variant leads to a premature termination codon at position 62, which is predicted to lead to a truncated or absent protein. Loss of function of the RDH12 gene is a moderately established disease mechanism in autosomal recessive Leber congenital amaurosis. The p.Arg62Ter variant is located in a region of RDH12 that is essential to protein folding and stability, suggesting that this variant is in a functional domain and slightly supports pathogenicity (PMID: 32014858). In summary, this variant meets criteria to be classified as pathogenic for Leber congenital amaurosis in an autosomal recessive manner based on the predicted loss of function effect of this variant and the presence of this variant in the homozygous state and in combination with other pathogenic variants in affected individuals. ACMG/AMP Criteria applied: PVS1_strong, PM1_supporting, PM3_strong (Richards 2015).

NM_152443.3(RDH12):c.184C>T (p.Arg62Ter)

Genes: GPHN (gephyrin; plus strand), RDH12 (retinol dehydrogenase 12; plus strand). Cytogenetic location: 14q24.1.
Variant type: single nucleotide variant.
Coding change: c.184C>T on transcript NM_152443.3 (MANE Select); coding-DNA position 184, C replaced by T.
Protein change: p.Arg62Ter; replaces arginine 62 with a stop codon.
Molecular consequence: nonsense.
Genome position (GRCh38, 1-based): chr14:67,724,588, C>T. VCF-style: chr14-67724588-C-T. GRCh37 (hg19) VCF-style: chr14-68191305-C-T.
Other names: short protein forms R62*.
Identifiers: ClinVar variation 2050 (VCV000002050.53), dbSNP rs104894471, ClinGen allele CA252081.